The following is an entry in ClinVar:

ClinVar aggregate classification (germline): Uncertain significance. Review status: criteria provided, multiple submitters, no conflicts (2 of 4 stars). 2 submissions from 2 submitters: Uncertain significance (2). Last evaluated 2023-07-17.

Conditions:
Neurodevelopmental disorder. Identifiers: MedGen C1535926, MeSH D065886, MONDO:0700092.
Early Myoclonic Encephalopathy. Identifiers: MedGen C0270855.

Submissions (2):

Victorian Clinical Genetics Services, Murdoch Childrens Research Institute
Classification: Uncertain significance for Neurodevelopmental disorder. Last evaluated: 2023-07-17. Review status: criteria provided, single submitter. Criteria: ACMG Guidelines, 2015. Collection method: clinical testing. Allele origin: germline. Inheritance: Autosomal dominant inheritance. Affected: yes.
Comment: Based on the classification scheme VCGS_Germline_v1.3.4, this variant is classified as VUS-3B. Following criteria are met: 0105 - The mechanism of disease for this gene is not clearly established. However, functional studies have indicated that variants may cause both a partial loss- and gain-of-function effect through enhanced inactivation of channels that have not opened and impaired inactivation of channels that have opened (PMIDs: 34245260 , 29581270). (I) 0107 - This gene is associated with autosomal dominant disease. (I) 0200 - Variant is predicted to result in a missense amino acid change from tyrosine to cysteine. (I) 0251 - This variant is heterozygous. (I) 0301 - Variant is absent from gnomAD (both v2 and v3). (SP) 0501 - Missense variant consistently predicted to be damaging by multiple in silico tools or highly conserved with a major amino acid change. (SP) 0600 - Variant is located in the annotated ion transport protein domain (DECIPHER). (I) 0705 - No comparable missense variants have previous evidence for pathogenicity. (I) 0807 - This variant has no previous evidence of pathogenicity. (I) 0905 - No published segregation evidence has been identified for this variant. (I) 1007 - No published functional evidence has been identified for this variant. (I) 1208 - Inheritance information for this variant is not currently available in this individual. (I) Legend: (SP) - Supporting pathogenic, (I) - Information, (SB) - Supporting benign

Labcorp Genetics (formerly Invitae), Labcorp
Classification: Uncertain significance for Early Myoclonic Encephalopathy. Last evaluated: 2021-12-19. Review status: criteria provided, single submitter. Criteria: Invitae Variant Classification Sherloc (09022015). Collection method: clinical testing. Allele origin: germline.
Comment: This sequence change replaces tyrosine, which is neutral and polar, with cysteine, which is neutral and slightly polar, at codon 189 of the KCND2 protein (p.Tyr189Cys). This variant is not present in population databases (gnomAD no frequency). This variant has not been reported in the literature in individuals affected with KCND2-related conditions. Algorithms developed to predict the effect of missense changes on protein structure and function are either unavailable or do not agree on the potential impact of this missense change (SIFT: "Deleterious"; PolyPhen-2: "Probably Damaging"; Align-GVGD: "Class C0"). In summary, the available evidence is currently insufficient to determine the role of this variant in disease. Therefore, it has been classified as a Variant of Uncertain Significance.

Literature cited by the submitters: PubMed 29581270 (cited by Victorian Clinical Genetics Services, Murdoch Childrens Research Institute); PubMed 34245260 (cited by Victorian Clinical Genetics Services, Murdoch Childrens Research Institute).

NM_012281.3(KCND2):c.566A>G (p.Tyr189Cys)

Gene: KCND2 (potassium voltage-gated channel subfamily D member 2; plus strand). Cytogenetic location: 7q31.31.
Variant type: single nucleotide variant.
Coding change: c.566A>G on transcript NM_012281.3 (MANE Select); coding-DNA position 566, A replaced by G.
Protein change: p.Tyr189Cys; replaces tyrosine 189 with cysteine.
Molecular consequence: missense variant.
Genome position (GRCh38, 1-based): chr7:120,275,198, A>G. VCF-style: chr7-120275198-A-G. GRCh37 (hg19) VCF-style: chr7-119915252-A-G.
Other names: c.566A>G (NM_012281.2); short protein forms Y189C.
Identifiers: ClinVar variation 2119064 (VCV002119064.5), dbSNP rs2546907357, ClinGen allele CA369131900.